The following is an entry in ClinVar:

NM_001127453.2(GSDME):c.1252C>T (p.His418Tyr)

Gene: GSDME (gasdermin E; minus strand). Cytogenetic location: 7p15.3.
Variant type: single nucleotide variant.
Coding change: c.1252C>T on transcript NM_001127453.2 (MANE Select); coding-DNA position 1252, C replaced by T.
Protein change: p.His418Tyr; replaces histidine 418 with tyrosine.
Molecular consequence: missense variant.
Genome position (GRCh38, 1-based): chr7:24,702,765, G>A on the plus strand (C>T on the coding strand, the complement: GSDME is on the minus strand). VCF-style: chr7-24702765-G-A. GRCh37 (hg19) VCF-style: chr7-24742384-G-A.
Other names: c.760C>T, p.His254Tyr (NM_001127454.2); c.1252C>T, p.His418Tyr (NM_004403.3); short protein forms H254Y, H418Y.
Identifiers: ClinVar variation 2108199 (VCV002108199.4), dbSNP rs2534962710, ClinGen allele CA367046088.

ClinVar aggregate classification (germline): Uncertain significance (1 of 4 stars; one submission).

gnomAD v4.1: 1 of 1,613,270 alleles (0.000062%); highest among the groups gnomAD compares: Non-Finnish European, 0.000085%; no homozygotes.

Submission:

Labcorp Genetics (formerly Invitae), Labcorp
Classification: Uncertain significance. Last evaluated: 2022-03-10. Review status: criteria provided, single submitter. Criteria: Invitae Variant Classification Sherloc (09022015). Collection method: clinical testing. Allele origin: germline.
Comment: This variant has not been reported in the literature in individuals affected with DFNA5-related conditions. This variant is not present in population databases (gnomAD no frequency). This sequence change replaces histidine, which is basic and polar, with tyrosine, which is neutral and polar, at codon 418 of the DFNA5 protein (p.His418Tyr). Algorithms developed to predict the effect of missense changes on protein structure and function output the following: SIFT: "Tolerated"; PolyPhen-2: "Benign"; Align-GVGD: "Class C0". The tyrosine amino acid residue is found in multiple mammalian species, which suggests that this missense change does not adversely affect protein function. In summary, the available evidence is currently insufficient to determine the role of this variant in disease. Therefore, it has been classified as a Variant of Uncertain Significance.